The following is an entry in ClinVar:

NM_014714.4(IFT140):c.1999C>T (p.Gln667Ter)

Gene: IFT140 (intraflagellar transport 140; minus strand). Cytogenetic location: 16p13.3.
Variant type: single nucleotide variant.
Coding change: c.1999C>T on transcript NM_014714.4 (MANE Select); coding-DNA position 1999, C replaced by T.
Protein change: p.Gln667Ter; replaces glutamine 667 with a stop codon.
Molecular consequence: nonsense.
Genome position (GRCh38, 1-based): chr16:1,564,065, G>A on the plus strand (C>T on the coding strand, the complement: IFT140 is on the minus strand). VCF-style: chr16-1564065-G-A. GRCh37 (hg19) VCF-style: chr16-1614066-G-A.
Other names: short protein forms Q667*.
Identifiers: ClinVar variation 5018568 (VCV005018568.1).

ClinVar aggregate classification (germline): Pathogenic (1 of 4 stars; one submission).

Conditions:
Saldino-Mainzer syndrome (SRTD9). Also called: CONORENAL SYNDROME; Renal dysplasia, retinal pigmentary dystrophy, cerebellar ataxia and skeletal dysplasia; SHORT-RIB THORACIC DYSPLASIA 9 WITHOUT POLYDACTYLY; short-rib thoracic dysplasia 9 with or without polydactyly. Identifiers: Orphanet 140969, MedGen C1849437, MONDO:0009964, OMIM 266920.
Polycystic kidney disease 9, susceptibility to. Identifiers: MedGen C6012712, MONDO:0976267, OMIM 621164.
Cranioectodermal dysplasia 5. Identifiers: MedGen C6011237, MONDO:0976269, OMIM 621180.
Retinitis pigmentosa 80 (RP80). Identifiers: MedGen C4540439, MONDO:0054708, OMIM 617781.

Submission:

Juno Genomics, Hangzhou Juno Genomics, Inc
Classification: Pathogenic for Polycystic kidney disease 9, susceptibility to; Cranioectodermal dysplasia 5; Retinitis pigmentosa 80; Saldino-Mainzer syndrome. Review status: criteria provided, single submitter. Criteria: ACMG Guidelines, 2015. Collection method: clinical testing. Allele origin: germline. Affected: yes.
Comment: Absent from controls (or at extremely low frequency if recessive) in Genome Aggregation Database.;Null variant in a gene where loss of function (LOF) is a known mechanism of disease.;Patient's phenotype or family history is highly specific for a disease with a single genetic etiology.